The following is an entry in ClinVar:

NM_001384732.1(CPLANE1):c.2567A>G (p.Glu856Gly)

Gene: CPLANE1 (ciliogenesis and planar polarity effector complex subunit 1; minus strand). Cytogenetic location: 5p13.2.
Variant type: single nucleotide variant.
Coding change: c.2567A>G on transcript NM_001384732.1 (MANE Select); coding-DNA position 2567, A replaced by G.
Protein change: p.Glu856Gly; replaces glutamic acid 856 with glycine.
Molecular consequence: missense variant.
Genome position (GRCh38, 1-based): chr5:37,224,267, T>C on the plus strand (A>G on the coding strand, the complement: CPLANE1 is on the minus strand). VCF-style: chr5-37224267-T-C. GRCh37 (hg19) VCF-style: chr5-37224369-T-C.
Other names: c.2567A>G, p.Glu856Gly (NM_023073.4); short protein forms E856G.
Identifiers: ClinVar variation 4976038 (VCV004976038.1).
Genomic context (GRCh38, chr5:37,224,267, plus strand): 5'-GGAGTCCTGCTAATATTATGGCACATATTTTTTAACACTCTCTTACCTTTCTCTTCGATT[T>C]CTTGTAGAGCTTTTTTCCACAGCTGAACAGACTTTTCATATGATCCTAATAAAAAACATT-3'
Protein context (NP_001371661.1, residues 846-866): SVQLWKKALQ[Glu856Gly]IEEKGGRRTY

ClinVar aggregate classification (germline): Uncertain significance (1 of 4 stars; one submission).

Submission:

GeneDx
Classification: Uncertain significance. Last evaluated: 2026-02-05. Review status: criteria provided, single submitter. Criteria: GeneDx Variant Classification Process June 2021. Collection method: clinical testing. Allele origin: germline.
Comment: Not observed at significant frequency in large population cohorts (gnomAD); In silico analysis supports that this missense variant has a deleterious effect on protein structure/function; Has not been previously published as pathogenic or benign to our knowledge